The following is an entry in ClinVar:

ClinVar aggregate classification (germline): Pathogenic (1 of 4 stars; one submission).

Conditions:
Duchenne muscular dystrophy (DMD). Also called: MUSCULAR DYSTROPHY, PSEUDOHYPERTROPHIC PROGRESSIVE, DUCHENNE TYPE; Duchenne Muscular Dystrophy (DMD). Identifiers: Orphanet 98896, MedGen C0013264, MONDO:0010679, OMIM 310200.

Submission:

Labcorp Genetics (formerly Invitae), Labcorp
Classification: Pathogenic for Duchenne muscular dystrophy. Last evaluated: 2020-03-19. Review status: criteria provided, single submitter. Criteria: Invitae Variant Classification Sherloc (09022015). Collection method: clinical testing. Allele origin: germline.
Comment: This variant has been observed in individual(s) with Becker muscular dystrophy (PMID: 15655674, 16770791, 21515508). For these reasons, this variant has been classified as Pathogenic. Loss-of-function variants in DMD are known to be pathogenic (PMID: 16770791, 25007885). This variant is not present in population databases (ExAC no frequency). This sequence change creates a premature translational stop signal (p.Gln1802*) in the DMD gene. It is expected to result in an absent or disrupted protein product.

Literature cited by the submitters: PubMed 15655674; PubMed 16770791; PubMed 21515508; PubMed 25007885.

NM_004006.3(DMD):c.5404C>T (p.Gln1802Ter)

Gene: DMD (dystrophin; minus strand). Cytogenetic location: Xp21.1.
Variant type: single nucleotide variant.
Coding change: c.5404C>T on transcript NM_004006.3 (MANE Select); coding-DNA position 5404, C replaced by T.
Protein change: p.Gln1802Ter; replaces glutamine 1802 with a stop codon.
Molecular consequence: nonsense.
Genome position (GRCh38, 1-based): chrX:32,348,450, G>A on the plus strand (C>T on the coding strand, the complement: DMD is on the minus strand). VCF-style: chrX-32348450-G-A. GRCh37 (hg19) VCF-style: chrX-32366567-G-A.
Other names: c.5380C>T, p.Gln1794Ter (NM_000109.4); c.5392C>T, p.Gln1798Ter (NM_004009.3); c.5035C>T, p.Gln1679Ter (NM_004010.3); c.1381C>T, p.Gln461Ter (NM_004011.4); c.1372C>T, p.Gln458Ter (NM_004012.4); short protein forms Q1679*, Q1794*, Q1798*, Q1802*, Q458*, Q461*.
Identifiers: ClinVar variation 1069895 (VCV001069895.10), dbSNP rs1386485242, ClinGen allele CA412667783.